The following is an entry in ClinVar:

ClinVar aggregate classification (germline): Uncertain significance (1 of 4 stars; one submission).

Submission:

GeneDx
Classification: Uncertain significance. Last evaluated: 2014-05-12. Review status: criteria provided, single submitter. Criteria: GeneDx Variant Classification (06012015). Collection method: clinical testing. Allele origin: germline. Affected: yes.
Comment: The c.1205_1206delGCinsAA variant has not been published as a pathogenic variant, nor has it been reported as a benign polymorphism to our knowledge. The c.1205_1206delGCinsAA variant results in a deletion of GC and insertion of AA, maintaining the reading frame and leading to a Glycine residue being replaced with a Glutamic acid residue at position 402 (G402E). Data from control individuals were not available to assess whether c.1205_1206delGCinsAA may be a common benign variant in the general population. The c.1205_1206delGCinsAA variant is a non-conservative amino acid substitution, which is likely to impact secondary protein structure as these residues differ in polarity, charge, size and/or other properties.This substitution occurs at a position that is conserved across species. In silico analysis predicts this variant is probably damaging to the protein structure/function. Variants in nearby residues have not been reported in association with disease, indicating this region of the protein may tolerate change.Therefore, based on the currently available information, it is unclear whether this variant is a pathogenic variant or a rare benign variant.

NM_000090.4(COL3A1):c.1205_1206delinsAA (p.Gly402Glu)

Gene: COL3A1 (collagen type III alpha 1 chain; plus strand). Cytogenetic location: 2q32.2.
Variant type: Indel.
Coding change: c.1205_1206delinsAA on transcript NM_000090.4 (MANE Select); coding-DNA positions 1205 to 1206, GC replaced by AA.
Protein change: p.Gly402Glu; replaces glycine 402 with glutamic acid.
Molecular consequence: missense variant.
Genome position (GRCh38, 1-based): chr2:188,994,244-188,994,245, GC replaced by AA. VCF-style: chr2-188994244-GC-AA. GRCh37 (hg19) VCF-style: chr2-189858970-GC-AA.
Other names: p.G402E:GGC>GAA; c.1205_1206delGCinsAA (NM_000090.3); short protein forms G402E.
Identifiers: ClinVar variation 199749 (VCV000199749.2), dbSNP rs794728058, ClinGen allele CA004126.
Genomic context (GRCh38, chr2:188,994,244, plus strand): 5'-TAAAAGAACATTCAAGTTCGGCTAATATAGTGTCTTTGGTTTGTTCTTAGGGTCCCGCTG[GC>AA]ATTCCTGGAGCTCCTGGACTGATGGGAGCCCGGGGTCCTCCAGGACCAGCCGGTGCTAAT-3'
Protein context (NP_000081.2, residues 392-412): PGGKGEMGPA[Gly402Glu]IPGAPGLMGA